The following is an entry in ClinVar:

ClinVar aggregate classification (germline): Conflicting classifications of pathogenicity. Review status: criteria provided, conflicting classifications (1 of 4 stars). 5 submissions from 5 submitters: Uncertain significance (4); Likely benign (1). Last evaluated 2024-11-13.

Conditions:
Microcephalic primordial dwarfism due to RTTN deficiency (MSSP). Also called: MICROCEPHALY, SHORT STATURE, AND POLYMICROGYRIA; Microcephaly, short stature, and polymicrogyria with or without seizures. Identifiers: Orphanet 468631, MedGen C3553831, MONDO:0018764, OMIM 614833.

Allele frequency attached by ClinVar (database versions not stated): TOPMed 0.00003; gnomAD 0.00006 and 0.00007; gnomAD exomes 0.00006 and 0.00007; ExAC 0.00007.
gnomAD v4.1: 105 of 1,613,690 alleles (0.0065%); highest among the groups gnomAD compares: Middle Eastern, 0.53%; no homozygotes.

Submissions (5):

Blueprint Genetics
Classification: Uncertain significance. Last evaluated: 2024-11-13. Review status: criteria provided, single submitter. Criteria: ACMG Guidelines, 2015. Collection method: clinical testing. Allele origin: germline.

Labcorp Genetics (formerly Invitae), Labcorp
Classification: Uncertain significance. Last evaluated: 2022-07-26. Review status: criteria provided, single submitter. Criteria: Invitae Variant Classification Sherloc (09022015). Collection method: clinical testing. Allele origin: germline.
Comment: This sequence change replaces threonine, which is neutral and polar, with methionine, which is neutral and non-polar, at codon 1626 of the RTTN protein (p.Thr1626Met). This variant is present in population databases (rs781683199, gnomAD 0.03%). This variant has not been reported in the literature in individuals affected with RTTN-related conditions. ClinVar contains an entry for this variant (Variation ID: 389771). Algorithms developed to predict the effect of missense changes on protein structure and function output the following: SIFT: "Tolerated"; PolyPhen-2: "Benign"; Align-GVGD: "Class C0". The methionine amino acid residue is found in multiple mammalian species, which suggests that this missense change does not adversely affect protein function. In summary, the available evidence is currently insufficient to determine the role of this variant in disease. Therefore, it has been classified as a Variant of Uncertain Significance.

CeGaT Center for Human Genetics Tuebingen
Classification: Uncertain significance. Last evaluated: 2019-04-01. Review status: criteria provided, single submitter. Criteria: CeGaT Center For Human Genetics Tuebingen Variant Classification Criteria Version 2. Collection method: clinical testing. Allele origin: germline. Affected: yes. Observed: 1 variant allele.

Baylor Genetics
Classification: Uncertain significance for Microcephalic primordial dwarfism due to RTTN deficiency. Last evaluated: 2019-01-03. Review status: criteria provided, single submitter. Criteria: ACMG Guidelines, 2015. Collection method: clinical testing. Allele origin: unknown. Affected: yes.
Comment: This variant was determined to be of uncertain significance according to ACMG Guidelines, 2015 [PMID:25741868].

GeneDx
Classification: Likely benign. Last evaluated: 2018-02-05. Review status: criteria provided, single submitter. Criteria: GeneDx Variant Classification (06012015). Collection method: clinical testing. Allele origin: germline. Affected: yes.
Comment: This variant is considered likely benign or benign based on one or more of the following criteria: it is a conservative change, it occurs at a poorly conserved position in the protein, it is predicted to be benign by multiple in silico algorithms, and/or has population frequency not consistent with disease.

NM_173630.4(RTTN):c.4877C>T (p.Thr1626Met)

Gene: RTTN (rotatin; minus strand). Cytogenetic location: 18q22.2.
Variant type: single nucleotide variant.
Coding change: c.4877C>T on transcript NM_173630.4 (MANE Select); coding-DNA position 4877, C replaced by T.
Protein change: p.Thr1626Met; replaces threonine 1626 with methionine.
Molecular consequence: missense variant.
Genome position (GRCh38, 1-based): chr18:70,059,913, G>A on the plus strand (C>T on the coding strand, the complement: RTTN is on the minus strand). VCF-style: chr18-70059913-G-A. GRCh37 (hg19) VCF-style: chr18-67727149-G-A.
Other names: c.2141C>T, p.Thr714Met (NM_001318520.2); short protein forms T1626M, T714M.
Identifiers: ClinVar variation 389771 (VCV000389771.48), dbSNP rs781683199, ClinGen allele CA8995115.